The following is an entry in ClinVar:

NM_152641.4(ARID2):c.2230G>A (p.Val744Ile)

Gene: ARID2 (AT-rich interaction domain 2; plus strand). Cytogenetic location: 12q12.
Variant type: single nucleotide variant.
Coding change: c.2230G>A on transcript NM_152641.4 (MANE Select); coding-DNA position 2230, G replaced by A.
Protein change: p.Val744Ile; replaces valine 744 with isoleucine.
Molecular consequence: missense variant.
Genome position (GRCh38, 1-based): chr12:45,850,353, G>A. VCF-style: chr12-45850353-G-A. GRCh37 (hg19) VCF-style: chr12-46244136-G-A.
Other names: c.2230G>A, p.Val744Ile (NM_001347839.2); short protein forms V744I.
Identifiers: ClinVar variation 1299430 (VCV001299430.1), dbSNP rs541063414, ClinGen allele CA384472712.
Genomic context (GRCh38, chr12:45,850,353, plus strand): 5'-CCCCAGACAGGAGTTCCTGTTAGTATTGCTGTTGGAGGAGGACCTCCACAGAGTTCTGTT[G>A]TTCAGAATCATAGTACAGGGCCACAACCTGTTACAGTTGTGAATTCTCAGACATTGCTTC-3'
Protein context (NP_689854.2, residues 734-754): VGGGPPQSSV[Val744Ile]QNHSTGPQPV

ClinVar aggregate classification (germline): Uncertain significance (1 of 4 stars; one submission).

Conditions:
Coffin-Siris syndrome 6. Identifiers: MedGen C4540499, MONDO:0033492, OMIM 617808.

Submission:

Breda Genetics srl
Classification: Uncertain significance for Coffin-Siris syndrome 6. Last evaluated: 2021-06-23. Review status: criteria provided, single submitter. Criteria: ACMG Guidelines, 2015. Collection method: clinical testing. Allele origin: germline. Inheritance: Autosomal dominant inheritance. Affected: yes. Observed: 1 variant allele, 1 heterozygote.
Comment: Based on allele frequency, in-silico prediction scores and a certain overlap with the clinical phenotype, we interpreted this variant at least as of uncertain significance. The lack of one or more of the following features has discouraged further investigations: lack of a possible second hit in autosomal recessive conditions, presence of healthy controls in databases for autosomal dominant conditions, presence of unmatching cardinal clinical features in the patient or in the known gene-disease association, and/or variant type outside the known gene mutational spectrum.